The following is an entry in ClinVar:

ClinVar aggregate classification (germline): Uncertain significance. Review status: criteria provided, multiple submitters, no conflicts (2 of 4 stars). 3 submissions from 3 submitters: Uncertain significance (3). Last evaluated 2025-03-20.

Conditions:
Developmental and epileptic encephalopathy, 23 (DEE23). Also called: Epileptic encephalopathy, early infantile, 23. Identifiers: Orphanet 411986, MedGen C4014492, MONDO:0014371, OMIM 615859.
Inborn genetic diseases. Identifiers: MedGen C0950123, MeSH D030342.

Allele frequency attached by ClinVar (database versions not stated): gnomAD exomes below 0.00001; TOPMed 0.00002; gnomAD 0.00001; ExAC 0.00001.
gnomAD v4.1: 4 of 1,613,656 alleles (0.00025%); highest among the groups gnomAD compares: Non-Finnish European, 0.00034%; no homozygotes.

Submissions (3):

Ambry Genetics
Classification: Uncertain significance for Inborn genetic diseases. Last evaluated: 2025-03-20. Review status: criteria provided, single submitter. Criteria: Ambry Variant Classification Scheme 2023. Collection method: clinical testing. Allele origin: germline.

Genome-Nilou Lab
Classification: Uncertain significance for Developmental and epileptic encephalopathy, 23. Last evaluated: 2023-04-11. Review status: criteria provided, single submitter. Criteria: ACMG Guidelines, 2015. Collection method: clinical testing. Allele origin: germline. Affected: no.

Labcorp Genetics (formerly Invitae), Labcorp
Classification: Uncertain significance for Developmental and epileptic encephalopathy, 23. Last evaluated: 2020-08-05. Review status: criteria provided, single submitter. Criteria: Invitae Variant Classification Sherloc (09022015). Collection method: clinical testing. Allele origin: germline.
Comment: In summary, the available evidence is currently insufficient to determine the role of this variant in disease. Therefore, it has been classified as a Variant of Uncertain Significance. Algorithms developed to predict the effect of missense changes on protein structure and function are either unavailable or do not agree on the potential impact of this missense change (SIFT: "Deleterious"; PolyPhen-2: "Possibly Damaging"; Align-GVGD: "Class C0"). This variant has not been reported in the literature in individuals with DOCK7-related conditions. This variant is present in population databases (rs781240642, ExAC 0.002%). This sequence change replaces lysine with glutamic acid at codon 1818 of the DOCK7 protein (p.Lys1818Glu). The lysine residue is highly conserved and there is a small physicochemical difference between lysine and glutamic acid.

NM_001367561.1(DOCK7):c.5479A>G (p.Lys1827Glu)

Gene: DOCK7 (dedicator of cytokinesis 7; minus strand). Cytogenetic location: 1p31.3.
Variant type: single nucleotide variant.
Coding change: c.5479A>G on transcript NM_001367561.1 (MANE Select); coding-DNA position 5479, A replaced by G.
Protein change: p.Lys1827Glu; replaces lysine 1827 with glutamic acid.
Molecular consequence: missense variant.
Genome position (GRCh38, 1-based): chr1:62,488,948, T>C on the plus strand (A>G on the coding strand, the complement: DOCK7 is on the minus strand). VCF-style: chr1-62488948-T-C. GRCh37 (hg19) VCF-style: chr1-62954619-T-C.
Other names: c.5452A>G, p.Lys1818Glu (NM_001271999.2, NM_001330614.2); c.5359A>G, p.Lys1787Glu (NM_001272000.2, NM_001272001.2); c.5386A>G, p.Lys1796Glu (NM_033407.4); c.5386A>G (NM_033407.2); short protein forms K1787E, K1796E, K1818E, K1827E.
Identifiers: ClinVar variation 1017331 (VCV001017331.11), dbSNP rs781240642, ClinGen allele CA885462.